The following is an entry in ClinVar:

ClinVar aggregate classification (germline): Benign/Likely benign. Review status: criteria provided, multiple submitters, no conflicts (2 of 4 stars). 3 submissions from 3 submitters: Benign (1); Likely benign (1). 1 of the submissions does not count toward it. Last evaluated 2026-02-02.

Conditions:
MTHFD1-related disorder. Also called: MTHFD1-related condition.

Allele frequency attached by ClinVar (database versions not stated): 1000 Genomes Project 0.00220; ESP Exome Variant Server 0.00254; ExAC 0.00078; gnomAD 0.00220 and 0.00237; gnomAD exomes 0.00021 and 0.00059; 1000 Genomes Project 30x 0.00187; TOPMed 0.00231.
gnomAD v4.1: 640 of 1,612,912 alleles (0.04%); highest among the groups gnomAD compares: African/African-American, 0.78%; 2 homozygotes.

Submissions (3):

Labcorp Genetics (formerly Invitae), Labcorp
Classification: Benign. Last evaluated: 2026-02-02. Review status: criteria provided, single submitter. Criteria: Invitae Variant Classification Sherloc (09022015). Collection method: clinical testing. Allele origin: germline.

Blueprint Genetics
Classification: Likely benign. Last evaluated: 2024-11-27. Review status: criteria provided, single submitter. Criteria: ACMG Guidelines, 2015. Collection method: clinical testing. Allele origin: germline.

PreventionGenetics, part of Exact Sciences
Classification: Benign for MTHFD1-related condition. Last evaluated: 2024-07-25. Review status: no assertion criteria provided. Collection method: clinical testing. Allele origin: germline. Not counted in ClinVar's aggregate classification.
Comment: This variant is classified as benign based on ACMG/AMP sequence variant interpretation guidelines (Richards et al. 2015 PMID: 25741868, with internal and published modifications).

NM_005956.4(MTHFD1):c.2566-4C>T

Genes: MTHFD1 (methylenetetrahydrofolate dehydrogenase, cyclohydrolase and formyltetrahydrofolate synthetase 1; plus strand), ZBTB25 (zinc finger and BTB domain containing 25; minus strand). Cytogenetic location: 14q23.3.
Variant type: single nucleotide variant.
Coding change: c.2566-4C>T on transcript NM_005956.4 (MANE Select); 4 bases into the intron before coding-DNA position 2566, C replaced by T.
Molecular consequence: intron variant.
Genome position (GRCh38, 1-based): chr14:64,454,719, C>T. VCF-style: chr14-64454719-C-T. GRCh37 (hg19) VCF-style: chr14-64921437-C-T.
Other names: c.2566-4C>T (NM_001364837.1); c.174-5081G>A (NM_001304508.1).
Identifiers: ClinVar variation 787946 (VCV000787946.12), dbSNP rs143887854, ClinGen allele CA7226641.